The following is an entry in ClinVar:

ClinVar aggregate classification (germline): Pathogenic (1 of 4 stars; one submission).

Conditions:
Hereditary cancer-predisposing syndrome. Also called: Tumor predisposition; Hereditary neoplastic syndrome; Neoplastic Syndromes, Hereditary; Hereditary Cancer Syndrome. Identifiers: Orphanet 140162, MedGen C0027672, MeSH D009386, MONDO:0015356.

Submission:

Ambry Genetics
Classification: Pathogenic for Hereditary cancer-predisposing syndrome. Last evaluated: 2025-04-15. Review status: criteria provided, single submitter. Criteria: Ambry Variant Classification Scheme 2023. Collection method: clinical testing. Allele origin: germline.
Comment: The c.2194_2195delGA pathogenic mutation, located in coding exon 9 of the BRCA1 gene, results from a deletion of two nucleotides at nucleotide positions 2194 to 2195, causing a translational frameshift with a predicted alternate stop codon (p.E732Rfs*7). This variant is considered to be rare based on population cohorts in the Genome Aggregation Database (gnomAD). This alteration is expected to result in loss of function by premature protein truncation or nonsense-mediated mRNA decay. As such, this alteration is interpreted as a disease-causing mutation.

NM_007294.4(BRCA1):c.2194_2195del (p.Glu732fs)

Gene: BRCA1 (BRCA1 DNA repair associated; minus strand). Cytogenetic location: 17q21.31.
Variant type: Deletion.
Coding change: c.2194_2195del on transcript NM_007294.4 (MANE Select); coding-DNA positions 2194 to 2195, 2 bases deleted (GA; older notation c.2194_2195delGA).
Protein change: p.Glu732fs; shifts the reading frame from glutamic acid 732.
Molecular consequence: frameshift variant. On other transcripts: intron variant (137).
Genome position (GRCh38, 1-based): chr17:43,093,336-43,093,337, TC deleted on the plus strand (GA on the coding strand, the reverse complement: BRCA1 is on the minus strand); deleting any 2 consecutive bases within chr17:43,093,336-43,093,338 gives the same sequence; the c. name uses the placement nearest the transcript's 3' end. VCF-style (leftmost placement, unchanged base first): chr17-43093335-TTC-T. GRCh37 (hg19) VCF-style: chr17-41245352-TTC-T.
Other names: c.2194_2195del, p.Glu732fs (NM_001407619.1, NM_001407620.1, NM_001407621.1 and 30 more transcripts); c.2191_2192del, p.Glu731fs (NM_001407627.1, NM_001407628.1, NM_001407637.1 and 22 more transcripts); c.2185_2186del, p.Glu729fs (NM_001407646.1, NM_001407647.1); c.2116_2117del, p.Glu706fs (NM_001407658.1, NM_001407663.1, NM_001407653.1 and 4 more transcripts); c.2113_2114del, p.Glu705fs (NM_001407659.1, NM_001407660.1, NM_001407661.1 and 1 more transcripts); c.2071_2072del, p.Glu691fs (NM_001407664.1, NM_001407665.1, NM_001407666.1 and 19 more transcripts); c.2068_2069del, p.Glu690fs (NM_001407685.1, NM_001407940.1, NM_001407941.1 and 11 more transcripts); c.2050_2051del, p.Glu684fs (NM_001407747.1, NM_001407748.1, NM_001407749.1 and 20 more transcripts); and 42 more; short protein forms E605fs, E621fs, E643fs, E661fs, E665fs, E684fs, E731fs, E436fs.
Identifiers: ClinVar variation 3992596 (VCV003992596.1).
Genomic context (GRCh38, chr17:43,093,335, plus strand): 5'-TAACATGAGATCTTTGGGGTCTTCAGCATTATTAGACACTTTAACTGTTTCTAGTTTCTC[TTC>T]TTTTTCTTCTCTTGGAAGGCTAGGATTGACAAATTCTTTAAGTTCACTGGTATTTGAACA-3'